The following is an entry in ClinVar:

NM_006922.4(SCN3A):c.3256G>A (p.Asp1086Asn)

Gene: SCN3A (sodium voltage-gated channel alpha subunit 3; minus strand). Cytogenetic location: 2q24.3.
Variant type: single nucleotide variant.
Coding change: c.3256G>A on transcript NM_006922.4 (MANE Select); coding-DNA position 3256, G replaced by A.
Protein change: p.Asp1086Asn; replaces aspartic acid 1086 with asparagine.
Molecular consequence: missense variant.
Genome position (GRCh38, 1-based): chr2:165,127,768, C>T on the plus strand (G>A on the coding strand, the complement: SCN3A is on the minus strand). VCF-style: chr2-165127768-C-T. GRCh37 (hg19) VCF-style: chr2-165984278-C-T.
Other names: c.3109G>A, p.Asp1037Asn (NM_001081676.2, NM_001081677.2); short protein forms D1086N, D1037N.
Identifiers: ClinVar variation 955392 (VCV000955392.12), dbSNP rs149911613, ClinGen allele CA1938830.
Genomic context (GRCh38, chr2:165,127,768, plus strand): 5'-CAATTGGCACTGTGACGGTGAGGCTGGGGTTGTTTATGAATGACATATAATCATTTTCAT[C>T]GATTACGTATTTTTCAACACTGCTTCCAGTACCTACACCACTGGTGGTTCCATTCCCATC-3'
Protein context (NP_008853.3, residues 1076-1096): TGSSVEKYVI[Asp1086Asn]ENDYMSFINN

ClinVar aggregate classification (germline): Uncertain significance. Review status: criteria provided, multiple submitters, no conflicts (2 of 4 stars). 3 submissions from 3 submitters: Uncertain significance (3). Last evaluated 2025-12-09.

Conditions:
Inborn genetic diseases. Identifiers: MedGen C0950123, MeSH D030342.

Allele frequency attached by ClinVar (database versions not stated): gnomAD 0.00001; TOPMed 0.00002; ExAC 0.00004; ESP Exome Variant Server 0.00008.
gnomAD v4.1: 19 of 1,613,930 alleles (0.0012%); highest among the groups gnomAD compares: Middle Eastern, 0.016%; no homozygotes.

Submissions (3):

Labcorp Genetics (formerly Invitae), Labcorp
Classification: Uncertain significance. Last evaluated: 2025-12-09. Review status: criteria provided, single submitter. Criteria: Invitae Variant Classification Sherloc (09022015). Collection method: clinical testing. Allele origin: germline.
Comment: This sequence change replaces aspartic acid, which is acidic and polar, with asparagine, which is neutral and polar, at codon 1086 of the SCN3A protein (p.Asp1086Asn). This variant is present in population databases (rs149911613, gnomAD 0.005%). This variant has not been reported in the literature in individuals affected with SCN3A-related conditions. ClinVar contains an entry for this variant (Variation ID: 955392). Invitae Evidence Modeling of protein sequence and biophysical properties (such as structural, functional, and spatial information, amino acid conservation, physicochemical variation, residue mobility, and thermodynamic stability) indicates that this missense variant is not expected to disrupt SCN3A protein function with a negative predictive value of 95%. In summary, the available evidence is currently insufficient to determine the role of this variant in disease. Therefore, it has been classified as a Variant of Uncertain Significance.

Revvity Omics, Revvity
Classification: Uncertain significance. Last evaluated: 2024-10-04. Review status: criteria provided, single submitter. Criteria: ACMG Guidelines, 2015. Collection method: clinical testing. Allele origin: germline.

Ambry Genetics
Classification: Uncertain significance for Inborn genetic diseases. Last evaluated: 2021-09-17. Review status: criteria provided, single submitter. Criteria: Ambry Variant Classification Scheme 2023. Collection method: clinical testing. Allele origin: germline.